The following is an entry in ClinVar:

NM_014681.6(DHX34):c.2707-10T>C

Gene: DHX34 (DExH-box helicase 34; plus strand). Cytogenetic location: 19q13.32.
Variant type: single nucleotide variant.
Coding change: c.2707-10T>C on transcript NM_014681.6 (MANE Select); 10 bases into the intron before coding-DNA position 2707, T replaced by C.
Molecular consequence: intron variant.
Genome position (GRCh38, 1-based): chr19:47,379,700, T>C. VCF-style: chr19-47379700-T-C. GRCh37 (hg19) VCF-style: chr19-47882957-T-C.
Identifiers: ClinVar variation 3060534 (VCV003060534.2), dbSNP rs2694556, ClinGen allele CA9538687.

ClinVar aggregate classification (germline): Benign (0 of 4 stars; one submission).

Conditions:
DHX34-related disorder. Also called: DHX34-related condition.

Allele frequency attached by ClinVar (database versions not stated): ESP Exome Variant Server 0.09526; TOPMed 0.10835; 1000 Genomes Project 0.11142; 1000 Genomes Project 30x 0.11446.
gnomAD v4.1: 103,431 of 1,586,838 alleles (6.5%); highest among the groups gnomAD compares: African/African-American, 20%; 4,376 homozygotes.

Submission:

PreventionGenetics, part of Exact Sciences
Classification: Benign for DHX34-related condition. Last evaluated: 2019-11-06. Review status: no assertion criteria provided. Collection method: clinical testing. Allele origin: germline.
Comment: This variant is classified as benign based on ACMG/AMP sequence variant interpretation guidelines (Richards et al. 2015 PMID: 25741868, with internal and published modifications).